The following is an entry in ClinVar:

NM_004483.5(GCSH):c.254G>T (p.Cys85Phe)

Gene: GCSH (glycine cleavage system protein H; minus strand). Cytogenetic location: 16q23.2.
Variant type: single nucleotide variant.
Coding change: c.254G>T on transcript NM_004483.5 (MANE Select); coding-DNA position 254, G replaced by T.
Protein change: p.Cys85Phe; replaces cysteine 85 with phenylalanine.
Molecular consequence: missense variant.
Genome position (GRCh38, 1-based): chr16:81,087,639, C>A on the plus strand (G>T on the coding strand, the complement: GCSH is on the minus strand). VCF-style: chr16-81087639-C-A. GRCh37 (hg19) VCF-style: chr16-81121244-C-A.
Other names: short protein forms C85F.
Identifiers: ClinVar variation 1026358 (VCV001026358.12), dbSNP rs1972310010, ClinGen allele CA396887322.

ClinVar aggregate classification (germline): Uncertain significance (1 of 4 stars; one submission).

Conditions:
Glycine encephalopathy. Also called: Nonketotic hyperglycinemia; Non-ketotic hyperglycinemia. Identifiers: Orphanet 407, MedGen C0751748, MONDO:0011612, HP:0008288.

Submission:

Labcorp Genetics (formerly Invitae), Labcorp
Classification: Uncertain significance for Glycine encephalopathy. Last evaluated: 2020-02-19. Review status: criteria provided, single submitter. Criteria: Invitae Variant Classification Sherloc (09022015). Collection method: clinical testing. Allele origin: germline.
Comment: This sequence change replaces cysteine with phenylalanine at codon 85 of the GCSH protein (p.Cys85Phe). The cysteine residue is moderately conserved and there is a large physicochemical difference between cysteine and phenylalanine. This variant is not present in population databases (ExAC no frequency). This variant has not been reported in the literature in individuals with GCSH-related conditions. Algorithms developed to predict the effect of missense changes on protein structure and function are either unavailable or do not agree on the potential impact of this missense change (SIFT: "Tolerated"; PolyPhen-2: "Probably Damaging"; Align-GVGD: "Class C0"). In summary, the available evidence is currently insufficient to determine the role of this variant in disease. Therefore, it has been classified as a Variant of Uncertain Significance.